The following is an entry in ClinVar:

ClinVar aggregate classification (germline): Uncertain significance. Review status: criteria provided, multiple submitters, no conflicts (2 of 4 stars). 5 submissions from 5 submitters: Uncertain significance (5). Last evaluated 2024-04-16.

Conditions:
Griscelli syndrome type 2 (GS2). Also called: GRISCELLI SYNDROME WITH HEMOPHAGOCYTIC SYNDROME; PAID SYNDROME; PARTIAL ALBINISM AND IMMUNODEFICIENCY SYNDROME. Identifiers: Orphanet 381, Orphanet 79477, MedGen C1868679, MONDO:0011872, OMIM 607624.
RAB27A-related disorder. Also called: RAB27A-related condition.

Allele frequency attached by ClinVar (database versions not stated): TOPMed 0.00006; gnomAD 0.00009 and 0.00011; ESP Exome Variant Server 0.00015.

Submissions (5):

Women's Health and Genetics/Laboratory Corporation of America, LabCorp
Classification: Uncertain significance. Last evaluated: 2024-04-16. Review status: criteria provided, single submitter. Criteria: LabCorp Variant Classification Summary - May 2015. Collection method: clinical testing. Allele origin: germline.
Comment: Variant summary: RAB27A c.518C>G (p.Ala173Gly) results in a non-conservative amino acid change located in the Small GTP-binding protein domain (IPR005225) of the encoded protein sequence. Five of five in-silico tools predict a damaging effect of the variant on protein function. The variant allele was found at a frequency of 6.4e-05 in 251052 control chromosomes. c.518C>G has been reported in the literature at a heterozygous status in a family with Left Ventricular Noncompaction, and did not segregate with disease (Bainbridge_2015). These report(s) do not provide unequivocal conclusions about association of the variant with Griscelli Syndrome Type 2. To our knowledge, no experimental evidence demonstrating an impact on protein function has been reported. The following publication have been ascertained in the context of this evaluation (PMID: 26025024). ClinVar contains an entry for this variant (Variation ID: 665149). Based on the evidence outlined above, the variant was classified as uncertain significance.

Blueprint Genetics
Classification: Uncertain significance. Last evaluated: 2024-02-28. Review status: criteria provided, single submitter. Criteria: ACMG Guidelines, 2015. Collection method: clinical testing. Allele origin: germline.

Department of Pathology and Laboratory Medicine, Sinai Health System
Classification: Uncertain significance for Griscelli syndrome type 2. Last evaluated: 2023-09-01. Review status: criteria provided, single submitter. Criteria: ACMG Guidelines, 2015. Collection method: research. Allele origin: germline.

PreventionGenetics, part of Exact Sciences
Classification: Uncertain significance for RAB27A-related condition. Last evaluated: 2023-08-27. Review status: criteria provided, single submitter. Criteria: ACMG Guidelines, 2015. Collection method: clinical testing. Allele origin: germline.
Comment: The RAB27A c.518C>G variant is predicted to result in the amino acid substitution p.Ala173Gly. To our knowledge, this variant has not been reported in the literature. This variant is reported in 0.012% of alleles in individuals of European (Non-Finnish) descent in gnomAD. At this time, the clinical significance of this variant is uncertain due to the absence of conclusive functional and genetic evidence.

Labcorp Genetics (formerly Invitae), Labcorp
Classification: Uncertain significance for Griscelli syndrome type 2. Last evaluated: 2022-07-06. Review status: criteria provided, single submitter. Criteria: Invitae Variant Classification Sherloc (09022015). Collection method: clinical testing. Allele origin: germline.
Comment: This sequence change replaces alanine, which is neutral and non-polar, with glycine, which is neutral and non-polar, at codon 173 of the RAB27A protein (p.Ala173Gly). This variant is present in population databases (rs142217102, gnomAD 0.01%). This variant has not been reported in the literature in individuals affected with RAB27A-related conditions. ClinVar contains an entry for this variant (Variation ID: 665149). Advanced modeling of protein sequence and biophysical properties (such as structural, functional, and spatial information, amino acid conservation, physicochemical variation, residue mobility, and thermodynamic stability) performed at Invitae indicates that this missense variant is expected to disrupt RAB27A protein function. In summary, the available evidence is currently insufficient to determine the role of this variant in disease. Therefore, it has been classified as a Variant of Uncertain Significance.

Literature cited by the submitters: PubMed 26025024 (cited by Women's Health and Genetics/Laboratory Corporation of America, LabCorp).

NM_183235.3(RAB27A):c.518C>G (p.Ala173Gly)

Gene: RAB27A (RAB27A, member RAS oncogene family; minus strand). Cytogenetic location: 15q21.3.
Variant type: single nucleotide variant.
Coding change: c.518C>G on transcript NM_183235.3 (MANE Select); coding-DNA position 518, C replaced by G.
Protein change: p.Ala173Gly; replaces alanine 173 with glycine.
Molecular consequence: missense variant.
Genome position (GRCh38, 1-based): chr15:55,205,655, G>C on the plus strand (C>G on the coding strand, the complement: RAB27A is on the minus strand). VCF-style: chr15-55205655-G-C. GRCh37 (hg19) VCF-style: chr15-55497853-G-C.
Other names: c.518C>G, p.Ala173Gly (NM_004580.5, NM_183234.3, NM_183236.3); short protein forms A173G.
Identifiers: ClinVar variation 665149 (VCV000665149.9), dbSNP rs142217102, ClinGen allele CA7573545.